The following is an entry in ClinVar:

NM_000179.3(MSH6):c.1820del (p.Thr607fs)

Gene: MSH6 (mutS homolog 6; plus strand). Cytogenetic location: 2p16.3.
Variant type: Deletion.
Coding change: c.1820del on transcript NM_000179.3 (MANE Select); coding-DNA position 1820, one base deleted (C; older notation c.1820delC).
Protein change: p.Thr607fs; shifts the reading frame from threonine 607.
Molecular consequence: frameshift variant.
Genome position (GRCh38, 1-based): chr2:47,799,803, C deleted. VCF-style (leftmost placement, unchanged base first): chr2-47799802-AC-A. GRCh37 (hg19) VCF-style: chr2-48026941-AC-A.
Other names: c.1430del, p.Thr477fs (NM_001281492.2); c.914del, p.Thr305fs (NM_001281493.2, NM_001281494.2); c.1916delC, p.Thr639Lysfs (NM_001406795.1, NM_001406802.1); c.1820delC, p.Thr607Lysfs (NM_001406796.1, NM_001406798.1, NM_001406800.1 and 3 more transcripts); c.1523delC, p.Thr508Lysfs (NM_001406797.1, NM_001406801.1, NM_001406805.1 and 10 more transcripts); c.1295delC, p.Thr432Lysfs (NM_001406799.1, NM_001406806.1, NM_001406807.1); c.1742delC, p.Thr581Lysfs (NM_001406804.1); c.914delC, p.Thr305Lysfs (NM_001406811.1, NM_001406812.1, NM_001406814.1 and 4 more transcripts); and 2 more; short protein forms T477fs, T607fs, T305fs.
Identifiers: ClinVar variation 1780758 (VCV001780758.3), dbSNP rs2530632321, ClinGen allele CA2580067706.
Genomic context (GRCh38, chr2:47,799,802, plus strand): 5'-GCACACTATCCCCCAGTACAAGTTTTATTTGAAAAAGGAAATCTCTCAAAGGAAACTAAA[AC>A]AATTCTAAAGAGTTCATTGTCCTGTTCTCTTCAGGAAGGTCTGATACCCGGCTCCCAGTT-3'

ClinVar aggregate classification (germline): Pathogenic/Likely pathogenic. Review status: criteria provided, multiple submitters, no conflicts (2 of 4 stars). 2 submissions from 2 submitters: Pathogenic (1); Likely pathogenic (1). Last evaluated 2025-12-14.

Conditions:
Hereditary cancer-predisposing syndrome. Also called: Neoplastic Syndromes, Hereditary; Tumor predisposition; Hereditary Cancer Syndrome; Hereditary neoplastic syndrome. Identifiers: Orphanet 140162, MedGen C0027672, MeSH D009386, MONDO:0015356.
Lynch syndrome 5 (LYNCH5). Also called: Hereditary non-polyposis colorectal cancer, type 5; Colorectal cancer, hereditary nonpolyposis, type 5. Identifiers: Orphanet 144, MedGen C1833477, MONDO:0013710, OMIM 614350. Disease mechanism: loss of function.

Submissions (2):

Variantyx, Inc.
Classification: Likely pathogenic for Lynch syndrome 5. Last evaluated: 2025-12-14. Review status: criteria provided, single submitter. Criteria: Variantyx Assertion Criteria 2022. Collection method: clinical testing. Allele origin: germline. Inheritance: Autosomal dominant inheritance. Affected: yes.
Comment: This is a frameshift variant in the MSH6 gene (OMIM: 600678). Pathogenic variants in this gene have been associated with autosomal dominant Lynch Syndrome 5. This variant introduces a premature termination codon in exon 4 out of 10 and is expected to result in loss of function, which is a known disease mechanism for MSH6 in this disorder (PMID: 18269114, 24362816) (PVS1). This variant is absent from control populations (PM2). Based on the current evidence, this variant is classified as likely pathogenic for autosomal dominant Lynch Syndrome 5.

Ambry Genetics
Classification: Pathogenic for Hereditary cancer-predisposing syndrome. Last evaluated: 2021-03-01. Review status: criteria provided, single submitter. Criteria: Ambry Variant Classification Scheme 2023. Collection method: clinical testing. Allele origin: germline.
Comment: The c.1820delC pathogenic mutation, located in coding exon 4 of the MSH6 gene, results from a deletion of one nucleotide at nucleotide position 1820, causing a translational frameshift with a predicted alternate stop codon (p.T607Kfs*3). This alteration is expected to result in loss of function by premature protein truncation or nonsense-mediated mRNA decay. As such, this alteration is interpreted as a disease-causing mutation.

Literature cited by the submitters: PubMed 18269114 (cited by Variantyx, Inc.); PubMed 24362816 (cited by Variantyx, Inc.).